The following is an entry in ClinVar:

NM_001042492.3(NF1):c.7090C>T (p.Arg2364Trp)

Gene: NF1 (neurofibromin 1; plus strand). Cytogenetic location: 17q11.2.
Variant type: single nucleotide variant.
Coding change: c.7090C>T on transcript NM_001042492.3 (MANE Select); coding-DNA position 7090, C replaced by T.
Protein change: p.Arg2364Trp; replaces arginine 2364 with tryptophan.
Molecular consequence: missense variant.
Genome position (GRCh38, 1-based): chr17:31,343,036, C>T. VCF-style: chr17-31343036-C-T. GRCh37 (hg19) VCF-style: chr17-29670054-C-T.
Other names: c.7027C>T, p.Arg2343Trp (NM_000267.4); short protein forms R2364W, R2343W.
Identifiers: ClinVar variation 648933 (VCV000648933.14), dbSNP rs1567620403, ClinGen allele CA399015561.

ClinVar aggregate classification (germline): Conflicting classifications of pathogenicity. Review status: criteria provided, conflicting classifications (1 of 4 stars). 7 submissions from 7 submitters: Uncertain significance (6); Likely benign (1). Last evaluated 2025-05-29.

Conditions:
Cardiovascular phenotype. Identifiers: MedGen CN230736.
Hereditary cancer-predisposing syndrome. Also called: Hereditary Cancer Syndrome; Tumor predisposition; Neoplastic Syndromes, Hereditary; Hereditary neoplastic syndrome. Identifiers: Orphanet 140162, MedGen C0027672, MeSH D009386, MONDO:0015356.
Neurofibromatosis, type 1 (NF1). Also called: VON RECKLINGHAUSEN DISEASE; Neurofibromatosis, type I; NEUROFIBROMATOSIS, TYPE I, SOMATIC; Peripheral type neurofibromatosis. Identifiers: Orphanet 636, MedGen C0027831, MONDO:0018975, OMIM 162200. Disease mechanism: loss of function.
Neurofibromatosis-Noonan syndrome (NFNS). Also called: NEUROFIBROMATOSIS WITH NOONAN PHENOTYPE. Identifiers: Orphanet 638, MedGen C2931482, MONDO:0011035, OMIM 601321. Disease mechanism: loss of function.
Café-au-lait macules with pulmonary stenosis (WTSN). Also called: PULMONIC STENOSIS WITH CAFE-AU-LAIT SPOTS. Identifiers: MedGen C0553586, MONDO:0008672, OMIM 193520.
Neurofibromatosis, familial spinal (FSNF). Identifiers: Orphanet 636, MedGen C1834235, MONDO:0008078, OMIM 162210. Disease mechanism: loss of function.
Juvenile myelomonocytic leukemia (JMML). Also called: LEUKEMIA, JUVENILE MYELOMONOCYTIC, SOMATIC. Identifiers: Orphanet 86834, MedGen C0349639, MONDO:0011908, OMIM 607785, HP:0012209.

Allele frequency attached by ClinVar (database versions not stated): gnomAD exomes below 0.00001.
gnomAD v4.1: 1 of 1,613,994 alleles (0.000062%); highest among the groups gnomAD compares: Non-Finnish European, 0.000085%; no homozygotes.

Submissions (7):

Quest Diagnostics Nichols Institute San Juan Capistrano
Classification: Uncertain significance. Last evaluated: 2025-05-29. Review status: criteria provided, single submitter. Criteria: Quest Diagnostics criteria. Collection method: clinical testing. Allele origin: unknown.

Labcorp Genetics (formerly Invitae), Labcorp
Classification: Likely benign for Neurofibromatosis, type 1. Last evaluated: 2025-05-05. Review status: criteria provided, single submitter. Criteria: Invitae Variant Classification Sherloc (09022015). Collection method: clinical testing. Allele origin: germline.

Ambry Genetics
Classification: Uncertain significance for Cardiovascular phenotype; Hereditary cancer-predisposing syndrome. Last evaluated: 2024-09-25. Review status: criteria provided, single submitter. Criteria: Ambry Variant Classification Scheme 2023. Collection method: clinical testing. Allele origin: germline.
Comment: The p.R2343W variant (also known as c.7027C>T), located in coding exon 47 of the NF1 gene, results from a C to T substitution at nucleotide position 7027. The arginine at codon 2343 is replaced by tryptophan, an amino acid with dissimilar properties. This amino acid position is highly conserved in available vertebrate species. In addition, the in silico prediction for this alteration is inconclusive. Since supporting evidence is limited at this time, the clinical significance of this alteration remains unclear.

Fulgent Genetics
Classification: Uncertain significance for Neurofibromatosis, type 1; Neurofibromatosis, familial spinal; Café-au-lait macules with pulmonary stenosis; Neurofibromatosis-Noonan syndrome; Juvenile myelomonocytic leukemia. Last evaluated: 2022-05-16. Review status: criteria provided, single submitter. Criteria: ACMG Guidelines, 2015. Collection method: clinical testing. Allele origin: unknown.

Genome-Nilou Lab
Classification: Uncertain significance for Neurofibromatosis, type 1. Last evaluated: 2022-03-15. Review status: criteria provided, single submitter. Criteria: ACMG Guidelines, 2015. Collection method: clinical testing. Allele origin: germline. Affected: no.

Baylor Genetics
Classification: Uncertain significance for Neurofibromatosis, type 1. Last evaluated: 2021-12-21. Review status: criteria provided, single submitter. Criteria: ACMG Guidelines, 2015. Collection method: clinical testing. Allele origin: maternal. Affected: yes. Study: CSER-TexasKidsCanSeq.
Comment: This variant was determined to be of uncertain significance according to ACMG Guidelines, 2015 [PMID:25741868].

GeneDx
Classification: Uncertain significance. Last evaluated: 2021-09-03. Review status: criteria provided, single submitter. Criteria: GeneDx Variant Classification Process June 2021. Collection method: clinical testing. Allele origin: germline. Affected: yes.
Comment: Observed in individuals with congenital heart disease (Li 2017, Zhu 2018); In silico analysis supports that this missense variant has a deleterious effect on protein structure/function; Not observed in large population cohorts (Lek 2016); This variant is associated with the following publications: (PMID: 25486365, 10336779, 30029678, 29089047)